The following is an entry in ClinVar:

NM_001039111.3(TRIM71):c.710A>G (p.Tyr237Cys)

Gene: TRIM71 (tripartite motif containing 71; plus strand). Cytogenetic location: 3p22.3.
Variant type: single nucleotide variant.
Coding change: c.710A>G on transcript NM_001039111.3 (MANE Select); coding-DNA position 710, A replaced by G.
Protein change: p.Tyr237Cys; replaces tyrosine 237 with cysteine.
Molecular consequence: missense variant.
Genome position (GRCh38, 1-based): chr3:32,818,790, A>G. VCF-style: chr3-32818790-A-G. GRCh37 (hg19) VCF-style: chr3-32860282-A-G.
Other names: short protein forms Y237C.
Identifiers: ClinVar variation 4851393 (VCV004851393.1).
Genomic context (GRCh38, chr3:32,818,790, plus strand): 5'-AGCACCTGTGCGACAACTGCGTCCGAGCGCACCAGCGCGTGCGCCTCACCAAGGACCACT[A>G]CATCGAGCGCGGCCCGCCGGGTCCCGGTGCCGCAGCAGCGGCGCAGCAGCTCGGGCTCGG-3'
Protein context (NP_001034200.1, residues 227-247): HQRVRLTKDH[Tyr237Cys]IERGPPGPGA

ClinVar aggregate classification (germline): Likely benign (1 of 4 stars; one submission).

Conditions:
Hydrocephalus, congenital communicating, 1. Also called: HYDROCEPHALUS, CONGENITAL, 4. Identifiers: MedGen C5231454, MONDO:0032862, OMIM 618667.

gnomAD v4.1: 3 of 1,608,374 alleles (0.00019%); highest among the groups gnomAD compares: South Asian, 0.0011%; no homozygotes.

Submission:

Centre for Medical Genetics,  Mumbai
Classification: Likely benign for Hydrocephalus, congenital communicating, 1. Last evaluated: 2026-04-20. Review status: criteria provided, single submitter. Criteria: ACMG Guidelines, 2015. Collection method: provider interpretation. Allele origin: germline. Inheritance: Autosomal dominant inheritance. Affected: no. Observed: 1 variant allele, 1 heterozygote.
Comment: The variant satisfies PM2 criteria - extremely low frequency in gnomAD population databases. The variant satisfies PP2 criteria - missense variant in a gene with low rate of benign missense mutations and for which missense mutation is a common mechanism of a disease. The variant satisfies BP4 criteria - for a missense or a splice region variant, computational prediction tools unanimously support a benign effect on the gene. However, the variant satisfies BS2 criteria - present in heterozygous state in an individual that clinically does not have hydrocephalus, congenital.

Literature cited by the submitters: PubMed 29983323.